The following is an entry in ClinVar:

NM_007294.4(BRCA1):c.2282A>T (p.Glu761Val)

Gene: BRCA1 (BRCA1 DNA repair associated; minus strand). Cytogenetic location: 17q21.31.
Variant type: single nucleotide variant.
Coding change: c.2282A>T on transcript NM_007294.4 (MANE Select); coding-DNA position 2282, A replaced by T.
Protein change: p.Glu761Val; replaces glutamic acid 761 with valine.
Molecular consequence: missense variant. On other transcripts: intron variant (137).
Genome position (GRCh38, 1-based): chr17:43,093,249, T>A on the plus strand (A>T on the coding strand, the complement: BRCA1 is on the minus strand). VCF-style: chr17-43093249-T-A. GRCh37 (hg19) VCF-style: chr17-41245266-T-A.
Other names: c.2138A>T, p.Glu713Val (NM_001407748.1, NM_001407749.1, NM_001407838.1 and 20 more transcripts); c.2141A>T, p.Glu714Val (NM_001407750.1, NM_001407751.1, NM_001407752.1 and 29 more transcripts); c.2069A>T, p.Glu690Val (NM_001407853.1, NM_001407894.1, NM_001407895.1 and 9 more transcripts); c.2282A>T, p.Glu761Val (NM_001407854.1, NM_001407858.1, NM_001407859.1 and 30 more transcripts); c.2279A>T, p.Glu760Val (NM_001407860.1, NM_001407861.1, NM_001407587.1 and 22 more transcripts); c.2081A>T, p.Glu694Val (NM_001407862.1); c.2159A>T, p.Glu720Val (NM_001407863.1, NM_001407919.1, NM_001407937.1 and 19 more transcripts); c.2078A>T, p.Glu693Val (NM_001407874.1, NM_001407875.1); and 41 more; short protein forms E634V, E649V, E690V, E693V, E694V, E714V, E734V, E761V.
Identifiers: ClinVar variation 3634672 (VCV003634672.2).
Genomic context (GRCh38, chr17:43,093,249, plus strand): 5'-TCCTGAGTGCCATAATCAGTACCAGGTACCAATGAAATACTGCTACTCTCTACAGATCTT[T>A]CAGTTTGCAAAACCCTTTCTCCACTTAACATGAGATCTTTGGGGTCTTCAGCATTATTAG-3'
Protein context (NP_009225.1, residues 751-771): MLSGERVLQT[Glu761Val]RSVESSSISL

ClinVar aggregate classification (germline): Uncertain significance (1 of 4 stars; one submission).

Conditions:
Hereditary breast ovarian cancer syndrome. Also called: Hereditary breast and ovarian cancer syndrome; Hereditary breast and ovarian cancer syndrome (HBOC); BRCA1- and BRCA2-Associated Hereditary Breast and Ovarian Cancer; Hereditary breast and ovarian cancer; Breast and ovarian cancer; Hereditary breast and/or ovarian cancer syndrome. Identifiers: Orphanet 145, MedGen C0677776, MeSH D061325, MONDO:0003582. Disease mechanism: loss of function.

Submission:

Labcorp Genetics (formerly Invitae), Labcorp
Classification: Uncertain significance for Hereditary breast ovarian cancer syndrome. Last evaluated: 2024-06-09. Review status: criteria provided, single submitter. Criteria: Invitae Variant Classification Sherloc (09022015). Collection method: clinical testing. Allele origin: germline.
Comment: This sequence change replaces glutamic acid, which is acidic and polar, with valine, which is neutral and non-polar, at codon 761 of the BRCA1 protein (p.Glu761Val). This variant is not present in population databases (gnomAD no frequency). This variant has not been reported in the literature in individuals affected with BRCA1-related conditions. Advanced modeling of protein sequence and biophysical properties (such as structural, functional, and spatial information, amino acid conservation, physicochemical variation, residue mobility, and thermodynamic stability) performed at Invitae indicates that this missense variant is not expected to disrupt BRCA1 protein function with a negative predictive value of 95%. In summary, the available evidence is currently insufficient to determine the role of this variant in disease. Therefore, it has been classified as a Variant of Uncertain Significance.